The following is an entry in ClinVar:

NM_000089.4(COL1A2):c.486+1G>A

Gene: COL1A2 (collagen type I alpha 2 chain; plus strand). Cytogenetic location: 7q21.3.
Variant type: single nucleotide variant.
Coding change: c.486+1G>A on transcript NM_000089.4 (MANE Select); the canonical splice donor site of the intron after coding-DNA position 486, G replaced by A.
Molecular consequence: splice donor variant.
Genome position (GRCh38, 1-based): chr7:94,405,253, G>A. VCF-style: chr7-94405253-G-A. GRCh37 (hg19) VCF-style: chr7-94034565-G-A.
Identifiers: ClinVar variation 2950426 (VCV002950426.3), dbSNP rs2484700681, ClinGen allele CA368219869.

ClinVar aggregate classification (germline): Pathogenic (1 of 4 stars; one submission).

Conditions:
Osteogenesis imperfecta type I (OI1). Also called: Lobstein disease; OI, TYPE I; OSTEOGENESIS IMPERFECTA TARDA; OSTEOGENESIS IMPERFECTA WITH BLUE SCLERAE; Osteogenesis imperfecta type 1; Lobstein's Disease. Identifiers: Orphanet 216796, Orphanet 666, MedGen C0023931, MONDO:0008146, OMIM 166200. Disease mechanism: loss of function.
Ehlers-Danlos syndrome, classic type, 1 (EDSCL1). Also called: EDS I; EHLERS-DANLOS SYNDROME, GRAVIS TYPE; EHLERS-DANLOS SYNDROME, SEVERE CLASSIC TYPE; Ehlers-Danlos syndrome, type 1; Ehlers-Danlos Syndrome, Classic Type, COL5A1-Related. Identifiers: MedGen C0268335, MONDO:0019567, OMIM 130000.

Submission:

Labcorp Genetics (formerly Invitae), Labcorp
Classification: Pathogenic for Osteogenesis imperfecta type I; Ehlers-Danlos syndrome, classic type, 1. Last evaluated: 2026-01-15. Review status: criteria provided, single submitter. Criteria: Invitae Variant Classification Sherloc (09022015). Collection method: clinical testing. Allele origin: germline.
Comment: This sequence change affects a donor splice site in intron 10 of the COL1A2 gene. It is expected to disrupt RNA splicing. Variants that disrupt the donor or acceptor splice site typically lead to a loss of protein function (PMID: 16199547), and loss-of-function variants in COL1A2 are known to be disease-causing for autosomal recessive COL1A2-related conditions (PMID: 15077201, 11288717). However, certain variants affecting donor or acceptor splice sites in the triple helical domain of COL1A2 are expected to result in in-frame exon skipping and have been reported to cause autosomal dominant COL1A2-related conditions (PMID: 17078022, 9295084). This variant is not present in population databases (gnomAD no frequency). Disruption of this splice site has been observed in individual(s) with autosomal dominant osteogenesis imperfecta (PMID: 22206639, 27509835). ClinVar contains an entry for this variant (Variation ID: 2950426). Algorithms developed to predict the effect of sequence changes on RNA splicing suggest that this variant may disrupt the consensus splice site. For these reasons, this variant has been classified as Pathogenic.

Literature cited by the submitters: PubMed 16199547; PubMed 15077201; PubMed 11288717; PubMed 17078022; PubMed 9295084; PubMed 22206639; PubMed 27509835.